The following is an entry in ClinVar:

NM_004385.5(VCAN):c.3662C>T (p.Ser1221Leu)

Gene: VCAN (versican; plus strand). Cytogenetic location: 5q14.3.
Variant type: single nucleotide variant.
Coding change: c.3662C>T on transcript NM_004385.5 (MANE Select); coding-DNA position 3662, C replaced by T.
Protein change: p.Ser1221Leu; replaces serine 1221 with leucine.
Molecular consequence: missense variant. On other transcripts: intron variant (2).
Genome position (GRCh38, 1-based): chr5:83,521,968, C>T. VCF-style: chr5-83521968-C-T. GRCh37 (hg19) VCF-style: chr5-82817787-C-T.
Other names: c.3662C>T, p.Ser1221Leu (NM_001164098.2); c.1042+9572C>T (NM_001164097.2, NM_001126336.3); short protein forms S1221L.
Identifiers: ClinVar variation 2814612 (VCV002814612.3), dbSNP rs1297457033, ClinGen allele CA360306547.

ClinVar aggregate classification (germline): Uncertain significance (1 of 4 stars; one submission).

Allele frequency attached by ClinVar (database versions not stated): TOPMed below 0.00001; gnomAD 0.00001.
gnomAD v4.1: 1 of 1,614,082 alleles (0.000062%); highest among the groups gnomAD compares: African/African-American, 0.0013%; no homozygotes.

Submission:

Labcorp Genetics (formerly Invitae), Labcorp
Classification: Uncertain significance. Last evaluated: 2022-11-15. Review status: criteria provided, single submitter. Criteria: Invitae Variant Classification Sherloc (09022015). Collection method: clinical testing. Allele origin: germline.
Comment: In summary, the available evidence is currently insufficient to determine the role of this variant in disease. Therefore, it has been classified as a Variant of Uncertain Significance. Algorithms developed to predict the effect of missense changes on protein structure and function output the following: SIFT: "Deleterious"; PolyPhen-2: "Benign"; Align-GVGD: "Class C0". The leucine amino acid residue is found in multiple mammalian species, which suggests that this missense change does not adversely affect protein function. This variant has not been reported in the literature in individuals affected with VCAN-related conditions. This variant is not present in population databases (gnomAD no frequency). This sequence change replaces serine, which is neutral and polar, with leucine, which is neutral and non-polar, at codon 1221 of the VCAN protein (p.Ser1221Leu).